The following is an entry in ClinVar:

ClinVar aggregate classification (germline): Uncertain significance (1 of 4 stars; one submission).

gnomAD v4.1: 12 of 1,511,646 alleles (0.00079%); highest among the groups gnomAD compares: Admixed American, 0.01%; no homozygotes.

Submission:

Labcorp Genetics (formerly Invitae), Labcorp
Classification: Uncertain significance. Last evaluated: 2025-10-08. Review status: criteria provided, single submitter. Criteria: Invitae Variant Classification Sherloc (09022015). Collection method: clinical testing. Allele origin: germline.
Comment: This sequence change falls in intron 11 of the KLC2 gene. It does not directly change the encoded amino acid sequence of the KLC2 protein. It affects a nucleotide within the consensus splice site. This variant is present in population databases (rs774696543, gnomAD 0.01%). This variant has not been reported in the literature in individuals affected with KLC2-related conditions. Variants that disrupt the consensus splice site are a relatively common cause of aberrant splicing (PMID: 17576681, 9536098). Algorithms developed to predict the effect of sequence changes on RNA splicing suggest that this variant is not likely to affect RNA splicing. In summary, the available evidence is currently insufficient to determine the role of this variant in disease. Therefore, it has been classified as a Variant of Uncertain Significance.

Literature cited by the submitters: PubMed 17576681; PubMed 9536098.

NM_001318734.2(KLC2):c.1334+3G>A

Genes: KLC2 (kinesin light chain 2; plus strand), KLC2-AS1 (KLC2 antisense RNA 1; minus strand). Cytogenetic location: 11q13.2.
Variant type: single nucleotide variant.
Coding change: c.1334+3G>A on transcript NM_001318734.2 (MANE Select); 3 bases into the intron after coding-DNA position 1334, G replaced by A.
Molecular consequence: intron variant.
Genome position (GRCh38, 1-based): chr11:66,265,238, G>A. VCF-style: chr11-66265238-G-A. GRCh37 (hg19) VCF-style: chr11-66032709-G-A.
Other names: c.1334+3G>A (NM_001134775.2, NM_022822.3, NM_001134776.2); c.1103+3G>A (NM_001134774.2).
Identifiers: ClinVar variation 4697545 (VCV004697545.1).